The following is an entry in ClinVar:

ClinVar aggregate classification (germline): Conflicting classifications of pathogenicity. Review status: criteria provided, conflicting classifications (1 of 4 stars). 4 submissions from 4 submitters: Uncertain significance (1); Likely benign (3). Last evaluated 2025-12-10.

Conditions:
JAK2-related disorder. Also called: JAK2-related condition.
Primary familial polycythemia due to EPO receptor mutation. Also called: POLYCYTHEMIA, PRIMARY FAMILIAL AND CONGENITAL; Erythrocytosis, familial, 1; ERYTHROCYTOSIS, SOMATIC; Primary Familial Congenital Polycythemia. Identifiers: Orphanet 90042, MedGen C4551637, MONDO:0007572, OMIM 133100.
Primary myelofibrosis. Also called: Myelofibrosis, somatic. Identifiers: Orphanet 824, MedGen C0001815, MeSH D055728, MONDO:0009692, OMIM 254450.
Acute myeloid leukemia (AML). Also called: Acute myeloid leukemia, adult; AML adult; Acute non-lymphocytic leukemia; Acute granulocytic leukemia; Leukemia, acute myeloid, somatic; Leukemia, acute myelogenous, somatic. Identifiers: Orphanet 519, MedGen C0023467, MeSH D015470, MONDO:0018874, OMIM 601626, HP:0004808. Disease mechanism: Constitutively activated FLT3.
Acquired polycythemia vera. Also called: POLYCYTHEMIA RUBRA VERA; Suspected polycythemia vera; Polycythemia vera, somatic. Identifiers: Orphanet 729, MedGen C0032463, MeSH D011087, MONDO:0009891, OMIM 263300.
Budd-Chiari syndrome (BDCHS). Also called: Hepatic vein obstruction. Identifiers: Orphanet 131, MedGen C0856761, MONDO:0010947, OMIM 600880, HP:0002639.
Thrombocythemia 3 (THCYT3). Also called: THROMBOCYTOSIS 3; THROMBOCYTHEMIA 3, SOMATIC. Identifiers: MedGen C3281125, MONDO:0013794, OMIM 614521.

Allele frequency attached by ClinVar (database versions not stated): 1000 Genomes Project 30x 0.00016; 1000 Genomes Project 0.00020; gnomAD exomes 0.00063 and 0.00097; ExAC 0.00064; gnomAD 0.00064 and 0.00076; TOPMed 0.00077 and 0.00078; ESP Exome Variant Server 0.00154.
gnomAD v4.1: 1,508 of 1,607,494 alleles (0.094%); highest among the groups gnomAD compares: Non-Finnish European, 0.12%; 1 homozygote.

Submissions (4):

Labcorp Genetics (formerly Invitae), Labcorp
Classification: Likely benign. Last evaluated: 2025-12-10. Review status: criteria provided, single submitter. Criteria: Invitae Variant Classification Sherloc (09022015). Collection method: clinical testing. Allele origin: germline.

PreventionGenetics, part of Exact Sciences
Classification: Likely benign for JAK2-related condition. Last evaluated: 2025-02-17. Review status: criteria provided, single submitter. Criteria: ACMG Guidelines, 2015. Collection method: clinical testing. Allele origin: germline.
Comment: This variant is classified as likely benign based on ACMG/AMP sequence variant interpretation guidelines (Richards et al. 2015 PMID: 25741868, with internal and published modifications).

Blueprint Genetics
Classification: Likely benign. Last evaluated: 2024-11-19. Review status: criteria provided, single submitter. Criteria: ACMG Guidelines, 2015. Collection method: clinical testing. Allele origin: germline.

Department of Pathology and Laboratory Medicine, Sinai Health System
Classification: Uncertain significance for Primary familial polycythemia due to EPO receptor mutation; Primary myelofibrosis; Acquired polycythemia vera; Budd-Chiari syndrome; Acute myeloid leukemia; Thrombocythemia 3. Last evaluated: 2020-07-31. Review status: criteria provided, single submitter. Criteria: ACMG Guidelines, 2015. Collection method: research. Allele origin: germline.

NM_004972.4(JAK2):c.337C>G (p.Leu113Val)

Genes: INSL6 (insulin like 6; minus strand), JAK2 (Janus kinase 2; plus strand). Cytogenetic location: 9p24.1.
Variant type: single nucleotide variant.
Coding change: c.337C>G on transcript NM_004972.4 (MANE Select); coding-DNA position 337, C replaced by G.
Protein change: p.Leu113Val; replaces leucine 113 with valine.
Molecular consequence: missense variant. On other transcripts: 5 prime UTR variant (2), non-coding transcript variant (2).
Genome position (GRCh38, 1-based): chr9:5,029,893, C>G. VCF-style: chr9-5029893-C-G. GRCh37 (hg19) VCF-style: chr9-5029893-C-G.
Other names: c.337C>G, p.Leu113Val (NM_001322194.2, NM_001322195.2, NM_001322196.2); c.-784C>G (NM_001322198.2, NM_001322199.2); short protein forms L113V.
Identifiers: ClinVar variation 2052244 (VCV002052244.7), dbSNP rs143103233, ClinGen allele CA4971538.